The following is an entry in ClinVar:

ClinVar aggregate classification (germline): Uncertain significance. Review status: criteria provided, multiple submitters, no conflicts (2 of 4 stars). 2 submissions from 2 submitters: Uncertain significance (2). Last evaluated 2026-01-05.

Conditions:
Inborn genetic diseases. Identifiers: MedGen C0950123, MeSH D030342.
Beta-D-mannosidosis (MANSB). Also called: MANNOSIDOSIS, BETA A, LYSOSOMAL; BETA-MANNOSIDASE DEFICIENCY; LYSOSOMAL BETA-MANNOSIDASE DEFICIENCY; Beta-Mannosidosis. Identifiers: Orphanet 118, MedGen C4048196, MONDO:0009562, OMIM 248510.

Allele frequency attached by ClinVar (database versions not stated): 1000 Genomes Project 30x 0.00016.
gnomAD v4.1: 44 of 1,614,132 alleles (0.0027%); highest among the groups gnomAD compares: Non-Finnish European, 0.0034%; no homozygotes.

Submissions (2):

Labcorp Genetics (formerly Invitae), Labcorp
Classification: Uncertain significance for Beta-D-mannosidosis. Last evaluated: 2026-01-05. Review status: criteria provided, single submitter. Criteria: Invitae Variant Classification Sherloc (09022015). Collection method: clinical testing. Allele origin: germline.
Comment: This sequence change replaces proline, which is neutral and non-polar, with leucine, which is neutral and non-polar, at codon 784 of the MANBA protein (p.Pro784Leu). This variant is present in population databases (rs116340501, gnomAD 0.006%). This variant has not been reported in the literature in individuals affected with MANBA-related conditions. ClinVar contains an entry for this variant (Variation ID: 1377287). Invitae Evidence Modeling of protein sequence and biophysical properties (such as structural, functional, and spatial information, amino acid conservation, physicochemical variation, residue mobility, and thermodynamic stability) indicates that this missense variant is expected to disrupt MANBA protein function with a positive predictive value of 80%. In summary, the available evidence is currently insufficient to determine the role of this variant in disease. Therefore, it has been classified as a Variant of Uncertain Significance.

Ambry Genetics
Classification: Uncertain significance for Inborn genetic diseases. Last evaluated: 2023-07-19. Review status: criteria provided, single submitter. Criteria: Ambry Variant Classification Scheme 2023. Collection method: clinical testing. Allele origin: germline.

NM_005908.4(MANBA):c.2351C>T (p.Pro784Leu)

Gene: MANBA (mannosidase beta; minus strand). Cytogenetic location: 4q24.
Variant type: single nucleotide variant.
Coding change: c.2351C>T on transcript NM_005908.4 (MANE Select); coding-DNA position 2351, C replaced by T.
Protein change: p.Pro784Leu; replaces proline 784 with leucine.
Molecular consequence: missense variant.
Genome position (GRCh38, 1-based): chr4:102,634,852, G>A on the plus strand (C>T on the coding strand, the complement: MANBA is on the minus strand). VCF-style: chr4-102634852-G-A. GRCh37 (hg19) VCF-style: chr4-103556009-G-A.
Other names: c.2351C>T (NM_005908.3); short protein forms P784L.
Identifiers: ClinVar variation 1377287 (VCV001377287.5), dbSNP rs116340501, ClinGen allele CA3026648.